The following continues an entry in ClinVar:

NM_138694.4(PKHD1):c.6992T>A (p.Ile2331Lys)

Gene: PKHD1. ClinVar aggregate classification (germline): Pathogenic/Likely pathogenic. Pathogenic (13); Likely pathogenic (4).

Submissions 14 to 19 of 19:

Eurofins Ntd Llc (ga)
Classification: Pathogenic. Last evaluated: 2018-07-27. Review status: criteria provided, single submitter. Criteria: EGL ClinVar v180209 classification definitions. Collection method: clinical testing. Allele origin: germline. Observed: 4 variant alleles, 4 heterozygotes.

Illumina Laboratory Services, Illumina
Classification: Pathogenic for Polycystic kidney disease 4. Last evaluated: 2017-04-27. Review status: criteria provided, single submitter. Criteria: ICSL Variant Classification Criteria 09 May 2019. Collection method: clinical testing. Allele origin: germline.
Comment: The PKHD1 c.6992T>A (p.Ile2331Lys) missense variant has been reported in four studies in which it is found in a total of 11 patients with autosomal recessive polycystic kidney disease, all in a compound heterozygous state, at least three of whom carried a frameshift variant on the second allele (Ward et al. 2002; Bergmann et al. 2005; Sharp et al. 2005; Gunay-Aygun et al. 2010). Segregation with disease has been shown in at least two studies (Ward et al. 2002; Bergmann et al. 2005). The p.Ile2331Lys variant was absent from 500 controls and is reported at a frequency of 0.00287 in the European (Finnish) population in the Exome Aggregation Consortium. Based on the collective evidence, the p.Ile2331Lys variant is classified as pathogenic for autosomal recessive polycystic disease. This variant was observed by ICSL as part of a predisposition screen in an ostensibly healthy population.

Baylor Genetics
Classification: Pathogenic for Polycystic kidney disease 4. Review status: criteria provided, single submitter. Criteria: ACMG Guidelines, 2015. Collection method: clinical testing. Allele origin: germline.

Genomics England Pilot Project, Genomics England
Classification: Likely pathogenic for Polycystic kidney disease 4. Review status: criteria provided, single submitter. Criteria: ACGS Guidelines, 2016. Collection method: clinical testing. Allele origin: germline. Affected: yes.

Counsyl
Classification: Likely pathogenic for Polycystic kidney disease, infantile type. Last evaluated: 2014-06-06. Review status: no assertion criteria provided. Collection method: literature only. Allele origin: unknown. Inheritance: Autosomal recessive inheritance. Not counted in ClinVar's aggregate classification.

Department of Pathology and Laboratory Medicine, Sinai Health System
Classification: Likely pathogenic for Polycystic Kidney disease. Review status: no assertion criteria provided. Collection method: clinical testing. Allele origin: unknown. Affected: yes. Study: The Canadian Open Genetics Repository (COGR). Not counted in ClinVar's aggregate classification.
Comment: The PKHD1 p.Ile2331Lys variant was identified in 15 of 836 proband chromosomes (frequency: 0.018) from individuals or families with ARPKD, and was not identified in 200 control chromosomes from healthy individuals (Adeva 2006, Bergmann 2005, Furu 2004, Gunay-Aygun 2010, Sharp 2005). The variant was also identified in dbSNP (ID: rs200179145) as â€šÃ„ÃºWith likely pathogenic alleleâ€šÃ„Ã¹, Clinvitae database (likely pathogenic by ClinVar), the ClinVar database (likely pathogenic by Counsyl), RWTH AAachen University ARPKD database (pathogenic) and PKHD1-LOVD. This variant was identified in the Exome Aggregation Consortium database (March 14, 2016) in 40 of 121394 chromosomes (freq. 0.0003) in the following populations: European in 21 of 66734 chromosomes (freq. 0.0003), Finish in 19 of 6614 chromosomes (freq. 0.003) and not identified in African, East Asian, Latino, South Asian or Other population. The p.Ile2331 residue is not conserved in mammals and computational analyses (PolyPhen-2, SIFT, AlignGVGD, BLOSUM, MutationTaster) provide inconsistent predictions regarding the impact to the protein; this information is not very predictive of pathogenicity. The variant occurs outside of the splicing consensus sequence and 2 of 5 in silico or computational prediction software programs (SpliceSiteFinder, MaxEntScan, NNSPLICE, GeneSplicer, HumanSpliceFinder) predict a greater than 10% difference in splicing; this is not very predictive of pathogenicity. In the case study by Adeva (2006) the variant was identified with a truncating mutation in an infant with respiratory distress and hyperechogenic liver and kidneys with intrahepatic bile duct dilatation, the variant was classified as definitely pathogenic. Two ARPKD studies classified the variant as pathogenic (Sharp 2005) and probably pathogenic (Gunay-Aygun 2010) by in silico and segregation analysis. In addition, Bergmann (2005) and Furu (2004) suggest the variant in combination with truncating mutation has a rather moderate effect and associated with minor renal disease. In summary, based on the above information, the clinical significance of this variant cannot be determined with certainty at this time although we would lean towards a more pathogenic role for this variant. This variant is classified as likely pathogenic.

Literature cited by the submitters: PubMed 36691356 (cited by Victorian Clinical Genetics Services, Murdoch Childrens Research Institute); PubMed 21945273 (cited by Victorian Clinical Genetics Services, Murdoch Childrens Research Institute); PubMed 15698423 (cited by 6 submitters); PubMed 20301501 (cited by Victorian Clinical Genetics Services, Murdoch Childrens Research Institute); PubMed 33532864 (cited by Victorian Clinical Genetics Services, Murdoch Childrens Research Institute and Molecular Biology Laboratory, Fundació Puigvert); PubMed 11919560 (cited by 5 submitters); PubMed 12506140 (cited by 3 submitters); PubMed 15805161 (cited by 3 submitters); PubMed 19914852 (cited by 3 submitters); PubMed 26673778 (cited by Labcorp Genetics (formerly Invitae), Labcorp and Natera, Inc.); PubMed 29956005 (cited by Natera, Inc.); PubMed 34008892 (cited by Laboratory of Medical Genetics, National & Kapodistrian University of Athens); PubMed 20413436 (cited by Illumina Laboratory Services, Illumina); PubMed 15706593 (cited by Counsyl); PubMed 12874454 (cited by Counsyl); PubMed 16523049 (cited by Counsyl); PubMed 12846734 (cited by Counsyl); PubMed 15108277 (cited by Counsyl).